The following is an entry in ClinVar:

ClinVar aggregate classification (germline): Conflicting classifications of pathogenicity. Review status: criteria provided, conflicting classifications (1 of 4 stars). 4 submissions from 4 submitters: Uncertain significance (3); Likely benign (1). Last evaluated 2025-12-15.

Conditions:
Familial temporal lobe epilepsy 7. Identifiers: Orphanet 101046, MedGen C4225327, MONDO:0014639, OMIM 616436.
Norman-Roberts syndrome (LIS2). Also called: Lissencephaly 2 (Norman-Roberts type). Identifiers: Orphanet 89844, MedGen C0796089, MONDO:0009760, OMIM 257320.
Inborn genetic diseases. Identifiers: MedGen C0950123, MeSH D030342.

gnomAD v4.1: 54 of 1,613,754 alleles (0.0033%); highest among the groups gnomAD compares: South Asian, 0.043%; no homozygotes.

Submissions (4):

Women's Health and Genetics/Laboratory Corporation of America, LabCorp
Classification: Uncertain significance. Last evaluated: 2025-12-15. Review status: criteria provided, single submitter. Criteria: LabCorp Variant Classification Summary - May 2015. Collection method: clinical testing. Allele origin: germline.
Comment: Variant summary: RELN c.5360G>A (p.Arg1787Gln) results in a conservative amino acid change in the encoded protein sequence. Algorithms developed to predict the effect of missense changes on protein structure and function are either unavailable or do not agree on the potential impact of this missense change. The variant allele was found at a frequency of 5.2e-05 in 251062 control chromosomes. This frequency is not significantly higher than estimated for disease-causing variants in RELN, allowing no conclusion about variant significance. To our knowledge, no occurrence of c.5360G>A in individuals affected with RELN-related conditions and no experimental evidence demonstrating its impact on protein function have been reported. ClinVar contains an entry for this variant (Variation ID: 1002525). Based on the evidence outlined above, the variant was classified as uncertain significance.

Labcorp Genetics (formerly Invitae), Labcorp
Classification: Likely benign for Familial temporal lobe epilepsy 7; Norman-Roberts syndrome. Last evaluated: 2025-12-05. Review status: criteria provided, single submitter. Criteria: Invitae Variant Classification Sherloc (09022015). Collection method: clinical testing. Allele origin: germline.

Blueprint Genetics
Classification: Uncertain significance. Last evaluated: 2024-04-09. Review status: criteria provided, single submitter. Criteria: ACMG Guidelines, 2015. Collection method: clinical testing. Allele origin: germline.

Ambry Genetics
Classification: Uncertain significance for Inborn genetic diseases. Last evaluated: 2021-09-16. Review status: criteria provided, single submitter. Criteria: Ambry Variant Classification Scheme 2023. Collection method: clinical testing. Allele origin: germline.

NM_005045.4(RELN):c.5360G>A (p.Arg1787Gln)

Gene: RELN (reelin; minus strand). Cytogenetic location: 7q22.1.
Variant type: single nucleotide variant.
Coding change: c.5360G>A on transcript NM_005045.4 (MANE Select); coding-DNA position 5360, G replaced by A.
Protein change: p.Arg1787Gln; replaces arginine 1787 with glutamine.
Molecular consequence: missense variant.
Genome position (GRCh38, 1-based): chr7:103,561,701, C>T on the plus strand (G>A on the coding strand, the complement: RELN is on the minus strand). VCF-style: chr7-103561701-C-T. GRCh37 (hg19) VCF-style: chr7-103202148-C-T.
Other names: c.5360G>A (NM_005045.3); c.5360G>A, p.Arg1787Gln (NM_173054.3); short protein forms R1787Q.
Identifiers: ClinVar variation 1002525 (VCV001002525.14), dbSNP rs372887562, ClinGen allele CA4421219.